The following is an entry in ClinVar:

NM_001142800.2(EYS):c.-453G>T

Gene: EYS (EGF-like photoreceptor maintenance factor; minus strand). Cytogenetic location: 6q12.
Variant type: single nucleotide variant.
Coding change: c.-453G>T on transcript NM_001142800.2 (MANE Select); 453 bases upstream of the start codon, G replaced by T.
Molecular consequence: 5 prime UTR variant.
Genome position (GRCh38, 1-based): chr6:65,707,140, C>A on the plus strand (G>T on the coding strand, the complement: EYS is on the minus strand). VCF-style: chr6-65707140-C-A. GRCh37 (hg19) VCF-style: chr6-66417033-C-A.
Other names: c.-453G>T (NM_001142801.2, NM_001292009.2).
Identifiers: ClinVar variation 866963 (VCV000866963.6), dbSNP rs1769909552, ClinGen allele CA916082870.

ClinVar aggregate classification (germline): Conflicting classifications of pathogenicity. Review status: criteria provided, conflicting classifications (1 of 4 stars). 3 submissions from 3 submitters: Likely pathogenic (1); Uncertain significance (2). Last evaluated 2026-04-14.

Conditions:
Retinitis pigmentosa 25 (RP25). Identifiers: Orphanet 791, MedGen C1864446, MONDO:0011272, OMIM 602772.

Submissions (3):

Myriad Genetics, Inc.
Classification: Likely pathogenic for Retinitis pigmentosa 25. Last evaluated: 2026-04-14. Review status: criteria provided, single submitter. Criteria: Myriad Autosomal Dominant, Autosomal Recessive and X-Linked Classification Criteria (2023). Collection method: clinical testing. Allele origin: unknown.
Comment: NM_001142800.1(EYS):c.-453G>T is a 5' non-coding variant classified as likely pathogenic in the context of retinitis pigmentosa, EYS-related. c.-453G>T has been observed in cases with relevant disease (PMID: 40191993). Relevant functional assessments of this variant are available in the literature (PMID: 40191993). c.-453G>T has not been observed in referenced population frequency databases. In summary, NM_001142800.1(EYS):c.-453G>T is a 5' non-coding variant that has been observed more frequently in cases with the relevant disease than in healthy populations. Please note: this variant was assessed in the context of healthy population screening.

Labcorp Genetics (formerly Invitae), Labcorp
Classification: Uncertain significance. Last evaluated: 2022-10-13. Review status: criteria provided, single submitter. Criteria: Invitae Variant Classification Sherloc (09022015). Collection method: clinical testing. Allele origin: germline.
Comment: This variant occurs in a non-coding region of the EYS gene. It does not change the encoded amino acid sequence of the EYS protein. This variant is not present in population databases (gnomAD no frequency). This variant has not been reported in the literature in individuals affected with EYS-related conditions. ClinVar contains an entry for this variant (Variation ID: 866963). Experimental studies and prediction algorithms are not available or were not evaluated, and the functional significance of this variant is currently unknown. In summary, the available evidence is currently insufficient to determine the role of this variant in disease. Therefore, it has been classified as a Variant of Uncertain Significance.

Blueprint Genetics
Classification: Uncertain significance. Last evaluated: 2020-04-29. Review status: criteria provided, single submitter. Criteria: ACMG Guidelines, 2015. Collection method: clinical testing. Allele origin: germline.

Literature cited by the submitters: PubMed 40191993 (cited by Myriad Genetics, Inc.).